The following is an entry in ClinVar:

NM_001085487.3(MYSM1):c.2017C>T (p.Gln673Ter)

Gene: MYSM1 (Myb like, SWIRM and MPN domains 1; minus strand). Cytogenetic location: 1p32.1.
Variant type: single nucleotide variant.
Coding change: c.2017C>T on transcript NM_001085487.3 (MANE Select); coding-DNA position 2017, C replaced by T.
Protein change: p.Gln673Ter; replaces glutamine 673 with a stop codon.
Molecular consequence: nonsense.
Genome position (GRCh38, 1-based): chr1:58,667,052, G>A on the plus strand (C>T on the coding strand, the complement: MYSM1 is on the minus strand). VCF-style: chr1-58667052-G-A. GRCh37 (hg19) VCF-style: chr1-59132724-G-A.
Other names: short protein forms Q673*.
Identifiers: ClinVar variation 4734585 (VCV004734585.1).

ClinVar aggregate classification (germline): Pathogenic (1 of 4 stars; one submission).

Submission:

Labcorp Genetics (formerly Invitae), Labcorp
Classification: Pathogenic. Last evaluated: 2026-01-02. Review status: criteria provided, single submitter. Criteria: Invitae Variant Classification Sherloc (09022015). Collection method: clinical testing. Allele origin: germline.
Comment: This sequence change creates a premature translational stop signal (p.Gln673*) in the MYSM1 gene. It is expected to result in an absent or disrupted protein product. Loss-of-function variants in MYSM1 are known to be pathogenic (PMID: 24288411, 28115216). This variant is not present in population databases (gnomAD no frequency). This variant has not been reported in the literature in individuals affected with MYSM1-related conditions. Algorithms developed to predict the effect of sequence changes on RNA splicing suggest that this variant may disrupt the consensus splice site. For these reasons, this variant has been classified as Pathogenic.

Literature cited by the submitters: PubMed 24288411; PubMed 28115216.